The following is an entry in ClinVar:

NM_004453.4(ETFDH):c.860A>G (p.Lys287Arg)

Gene: ETFDH (electron transfer flavoprotein dehydrogenase; plus strand). Cytogenetic location: 4q32.1.
Variant type: single nucleotide variant.
Coding change: c.860A>G on transcript NM_004453.4 (MANE Select); coding-DNA position 860, A replaced by G.
Protein change: p.Lys287Arg; replaces lysine 287 with arginine.
Molecular consequence: missense variant.
Genome position (GRCh38, 1-based): chr4:158,697,587, A>G. VCF-style: chr4-158697587-A-G. GRCh37 (hg19) VCF-style: chr4-159618739-A-G.
Other names: p.K287R:AAA>AGA; c.719A>G, p.Lys240Arg (NM_001281737.2); c.677A>G, p.Lys226Arg (NM_001281738.1); short protein forms K287R, K226R, K240R.
Identifiers: ClinVar variation 203706 (VCV000203706.1), dbSNP rs796051955, ClinGen allele CA312512.

ClinVar aggregate classification (germline): Likely benign (1 of 4 stars; one submission).

Submission:

GeneDx
Classification: Likely benign. Last evaluated: 2014-10-08. Review status: criteria provided, single submitter. Criteria: GeneDx Variant Classification (06012015). Collection method: clinical testing. Allele origin: germline. Affected: yes.
Comment: This variant is considered likely benign or benign based on one or more of the following criteria: it is a conservative change, it occurs at a poorly conserved position in the protein, it is predicted to be benign by multiple in silico algorithms, and/or has population frequency not consistent with disease.